The following is an entry in ClinVar:

ClinVar aggregate classification (germline): Likely benign. Review status: criteria provided, multiple submitters, no conflicts (2 of 4 stars). 6 submissions from 6 submitters: Likely benign (5). 1 of the submissions does not count toward it. Last evaluated 2026-07-01.

Conditions:
RET-related disorder. Also called: RET-related condition; RET-related disease; RET-related disorders.
Hereditary cancer-predisposing syndrome. Also called: Hereditary neoplastic syndrome; Hereditary Cancer Syndrome; Neoplastic Syndromes, Hereditary; Tumor predisposition. Identifiers: Orphanet 140162, MedGen C0027672, MeSH D009386, MONDO:0015356.
Multiple endocrine neoplasia, type 2 (MEN2). Identifiers: Orphanet 653, MedGen C4048306, MONDO:0019003. Disease mechanism: gain of function.

Allele frequency attached by ClinVar (database versions not stated): gnomAD 0.00006.

Submissions (6):

CeGaT Center for Human Genetics Tuebingen
Classification: Likely benign. Last evaluated: 2026-07-01. Review status: criteria provided, single submitter. Criteria: CeGaT Center For Human Genetics Tuebingen Variant Classification Criteria Version 2. Collection method: clinical testing. Allele origin: germline. Affected: yes. Observed: 1 variant allele.
Comment: RET: BS1

Labcorp Genetics (formerly Invitae), Labcorp
Classification: Likely benign for Multiple endocrine neoplasia, type 2. Last evaluated: 2026-01-27. Review status: criteria provided, single submitter. Criteria: Invitae Variant Classification Sherloc (09022015). Collection method: clinical testing. Allele origin: germline.

Color Diagnostics, LLC DBA Color Health
Classification: Likely benign for Multiple endocrine neoplasia, type 2. Last evaluated: 2022-07-21. Review status: criteria provided, single submitter. Criteria: ACMG Guidelines, 2015. Collection method: clinical testing. Allele origin: germline.

Sema4
Classification: Likely benign for Hereditary cancer-predisposing syndrome. Last evaluated: 2022-02-19. Review status: criteria provided, single submitter. Criteria: Sema4 Curation Guidelines. Collection method: curation. Allele origin: germline.

Ambry Genetics
Classification: Likely benign for Hereditary cancer-predisposing syndrome. Last evaluated: 2018-12-29. Review status: criteria provided, single submitter. Criteria: Ambry Variant Classification Scheme 2023. Collection method: clinical testing. Allele origin: germline.

PreventionGenetics, part of Exact Sciences
Classification: Likely benign for RET-related condition. Last evaluated: 2024-05-11. Review status: no assertion criteria provided. Collection method: clinical testing. Allele origin: germline. Not counted in ClinVar's aggregate classification.
Comment: This variant is classified as likely benign based on ACMG/AMP sequence variant interpretation guidelines (Richards et al. 2015 PMID: 25741868, with internal and published modifications).

NM_020975.6(RET):c.3142C>T (p.Leu1048Phe)

Gene: RET (ret proto-oncogene; plus strand). Cytogenetic location: 10q11.21.
Variant type: single nucleotide variant.
Coding change: c.3142C>T on transcript NM_020975.6 (MANE Select); coding-DNA position 3142, C replaced by T.
Protein change: p.Leu1048Phe; replaces leucine 1048 with phenylalanine.
Molecular consequence: missense variant.
Genome position (GRCh38, 1-based): chr10:43,126,677, C>T. VCF-style: chr10-43126677-C-T. GRCh37 (hg19) VCF-style: chr10-43622125-C-T.
Other names: c.3142C>T, p.Leu1048Phe (NM_000323.2, NM_020629.2, NM_020630.7 and 2 more transcripts); c.2854C>T, p.Leu952Phe (NM_001406767.1, NM_001406770.1, NM_001406766.1); c.2878C>T, p.Leu960Phe (NM_001406768.1); c.2746C>T, p.Leu916Phe (NM_001406769.1, NM_001406772.1); c.2704C>T, p.Leu902Phe (NM_001406771.1, NM_001406773.1); c.2617C>T, p.Leu873Phe (NM_001406774.1); c.2416C>T, p.Leu806Phe (NM_001406775.1, NM_001406776.1, NM_001406778.1); c.2110C>T, p.Leu704Phe (NM_001406787.1); and 10 more; short protein forms L1048F, L794F, L613F, L706F, L806F, L1003F, L565F, L709F.
Identifiers: ClinVar variation 241357 (VCV000241357.19), dbSNP rs774347808, ClinGen allele CA042782.